The following is an entry in ClinVar:

ClinVar aggregate classification (germline): Uncertain significance (1 of 4 stars; one submission).

Allele frequency attached by ClinVar (database versions not stated): gnomAD exomes below 0.00001.
gnomAD v4.1: 1 of 1,610,444 alleles (0.000062%); highest among the groups gnomAD compares: Non-Finnish European, 0.000085%; no homozygotes.

Submission:

Labcorp Genetics (formerly Invitae), Labcorp
Classification: Uncertain significance. Last evaluated: 2023-03-27. Review status: criteria provided, single submitter. Criteria: Invitae Variant Classification Sherloc (09022015). Collection method: clinical testing. Allele origin: germline.
Comment: This sequence change replaces phenylalanine, which is neutral and non-polar, with serine, which is neutral and polar, at codon 363 of the ANGPT1 protein (p.Phe363Ser). This variant is not present in population databases (gnomAD no frequency). This variant has not been reported in the literature in individuals affected with ANGPT1-related conditions. An algorithm developed to predict the effect of missense changes on protein structure and function (PolyPhen-2) suggests that this variant is likely to be disruptive. In summary, the available evidence is currently insufficient to determine the role of this variant in disease. Therefore, it has been classified as a Variant of Uncertain Significance.

NM_001146.5(ANGPT1):c.1088T>C (p.Phe363Ser)

Gene: ANGPT1 (angiopoietin 1; minus strand). Cytogenetic location: 8q23.1.
Variant type: single nucleotide variant.
Coding change: c.1088T>C on transcript NM_001146.5 (MANE Select); coding-DNA position 1088, T replaced by C.
Protein change: p.Phe363Ser; replaces phenylalanine 363 with serine.
Molecular consequence: missense variant.
Genome position (GRCh38, 1-based): chr8:107,284,799, A>G on the plus strand (T>C on the coding strand, the complement: ANGPT1 is on the minus strand). VCF-style: chr8-107284799-A-G. GRCh37 (hg19) VCF-style: chr8-108297027-A-G.
Other names: c.1085T>C, p.Phe362Ser (NM_001199859.3); c.488T>C, p.Phe163Ser (NM_001314051.2); short protein forms F163S, F362S, F363S.
Identifiers: ClinVar variation 2784844 (VCV002784844.3), dbSNP rs2488166268, ClinGen allele CA372032812.